The following is an entry in ClinVar:

ClinVar aggregate classification (germline): Uncertain significance. Review status: criteria provided, multiple submitters, no conflicts (2 of 4 stars). 2 submissions from 2 submitters: Uncertain significance (2). Last evaluated 2025-09-19.

Conditions:
Hereditary cancer-predisposing syndrome. Also called: Tumor predisposition; Hereditary Cancer Syndrome; Hereditary neoplastic syndrome; Neoplastic Syndromes, Hereditary. Identifiers: Orphanet 140162, MedGen C0027672, MeSH D009386, MONDO:0015356.
Gastrointestinal stromal tumor. Also called: Gastrointestinal stroma tumor; Gastrointestinal stromal tumor, somatic. Identifiers: Orphanet 44890, MedGen C0238198, MeSH D046152, MONDO:0011719, OMIM 606764, HP:0100723.

Submissions (2):

Ambry Genetics
Classification: Uncertain significance for Hereditary cancer-predisposing syndrome. Last evaluated: 2025-09-19. Review status: criteria provided, single submitter. Criteria: Ambry Variant Classification Scheme 2023. Collection method: clinical testing. Allele origin: germline.
Comment: The p.M651T variant (also known as c.1952T>C), located in coding exon 13 of the KIT gene, results from a T to C substitution at nucleotide position 1952. The methionine at codon 651 is replaced by threonine, an amino acid with similar properties. This amino acid position is conserved. In addition, the in silico prediction for this alteration is inconclusive. Based on the available evidence, the clinical significance of this variant remains unclear.

Labcorp Genetics (formerly Invitae), Labcorp
Classification: Uncertain significance for Gastrointestinal stromal tumor. Last evaluated: 2021-12-09. Review status: criteria provided, single submitter. Criteria: Invitae Variant Classification Sherloc (09022015). Collection method: clinical testing. Allele origin: germline.
Comment: This sequence change replaces methionine, which is neutral and non-polar, with threonine, which is neutral and polar, at codon 651 of the KIT protein (p.Met651Thr). In summary, the available evidence is currently insufficient to determine the role of this variant in disease. Therefore, it has been classified as a Variant of Uncertain Significance. Algorithms developed to predict the effect of missense changes on protein structure and function (SIFT, PolyPhen-2, Align-GVGD) all suggest that this variant is likely to be tolerated. This variant has not been reported in the literature in individuals affected with KIT-related conditions. This variant is not present in population databases (gnomAD no frequency).

NM_000222.3(KIT):c.1952T>C (p.Met651Thr)

Gene: KIT (KIT proto-oncogene, receptor tyrosine kinase; plus strand). Cytogenetic location: 4q12.
Variant type: single nucleotide variant.
Coding change: c.1952T>C on transcript NM_000222.3 (MANE Select); coding-DNA position 1952, T replaced by C.
Protein change: p.Met651Thr; replaces methionine 651 with threonine.
Molecular consequence: missense variant.
Genome position (GRCh38, 1-based): chr4:54,728,083, T>C. VCF-style: chr4-54728083-T-C. GRCh37 (hg19) VCF-style: chr4-55594249-T-C.
Other names: c.1952T>C (NM_000222.2); c.1940T>C, p.Met647Thr (NM_001093772.2, NM_001385286.1); c.1955T>C, p.Met652Thr (NM_001385284.1, NM_001385290.1); c.1952T>C, p.Met651Thr (NM_001385285.1); c.1943T>C, p.Met648Thr (NM_001385288.1, NM_001385292.1); short protein forms M652T, M648T, M647T, M651T.
Identifiers: ClinVar variation 1369761 (VCV001369761.6), dbSNP rs1374100918, ClinGen allele CA356908725.